The following is an entry in ClinVar:

NM_001267550.2(TTN):c.64015A>G (p.Arg21339Gly)

Genes: TTN (titin; minus strand), TTN-AS1 (TTN antisense RNA 1; plus strand). Cytogenetic location: 2q31.2.
Variant type: single nucleotide variant.
Coding change: c.64015A>G on transcript NM_001267550.2 (MANE Select); coding-DNA position 64015, A replaced by G.
Protein change: p.Arg21339Gly; replaces arginine 21339 with glycine.
Molecular consequence: missense variant.
Genome position (GRCh38, 1-based): chr2:178,587,196, T>C on the plus strand (A>G on the coding strand, the complement: TTN is on the minus strand). VCF-style: chr2-178587196-T-C. GRCh37 (hg19) VCF-style: chr2-179451923-T-C.
Other names: p.Arg19698Gly; c.59092A>G, p.Arg19698Gly (NM_001256850.1); c.36820A>G, p.Arg12274Gly (NM_003319.4); c.56311A>G, p.Arg18771Gly (NM_133378.4); c.37195A>G, p.Arg12399Gly (NM_133432.3); c.37396A>G, p.Arg12466Gly (NM_133437.4); short protein forms R12274G, R12399G, R12466G, R18771G, R19698G, R21339G.
Identifiers: ClinVar variation 1693838 (VCV001693838.5), dbSNP rs1357840635, ClinGen allele CA349446654.

ClinVar aggregate classification (germline): Uncertain significance. Review status: criteria provided, multiple submitters, no conflicts (2 of 4 stars). 2 submissions from 2 submitters: Uncertain significance (2). Last evaluated 2025-08-05.

Conditions:
TTN-related disorder. Also called: TTN-related disorders; TTN-related condition; TTN-related disease.

Allele frequency attached by ClinVar (database versions not stated): gnomAD exomes below 0.00001; gnomAD 0.00001; TOPMed 0.00001.
gnomAD v4.1: 1 of 1,613,218 alleles (0.000062%); highest among the groups gnomAD compares: African/African-American, 0.0013%; no homozygotes.

Submissions (2):

PreventionGenetics, part of Exact Sciences
Classification: Uncertain significance for TTN-related condition. Last evaluated: 2025-08-05. Review status: criteria provided, single submitter. Criteria: ACMG Guidelines, 2015. Collection method: clinical testing. Allele origin: germline.
Comment: The TTN c.64015A>G variant is predicted to result in the amino acid substitution p.Arg21339Gly. To our knowledge, this variant has not been reported in the literature. This variant is reported in 0.0065% of alleles in individuals of African descent in gnomAD. At this time, the clinical significance of this variant is uncertain due to the absence of conclusive functional and genetic evidence.

Mayo Clinic Laboratories, Mayo Clinic
Classification: Uncertain significance. Last evaluated: 2021-06-30. Review status: criteria provided, single submitter. Criteria: ACMG Guidelines, 2015. Collection method: clinical testing. Allele origin: germline.